The following is an entry in ClinVar:

ClinVar aggregate classification (germline): Likely pathogenic (1 of 4 stars; one submission).

Conditions:
Cardiomyopathy, dilated, 1QQ. Identifiers: MedGen C6012742, MONDO:0979239, OMIM 621251.

Submission:

Victorian Clinical Genetics Services, Murdoch Childrens Research Institute
Classification: Likely pathogenic for Cardiomyopathy, dilated, 1QQ. Last evaluated: 2026-06-08. Review status: criteria provided, single submitter. Criteria: ACMG Guidelines, 2015. Collection method: clinical testing. Allele origin: germline.
Comment: This variant is classified as Likely pathogenic. Evidence in support of pathogenic classification: Variant is predicted to result in a truncated protein (premature termination codon is NOT located at least 54 nucleotides upstream of the final exon-exon junction) with at least 1/3 of the protein sequence affected; Variant is absent from gnomAD (v2, v3 and v4); Other protein truncating variant(s) comparable to the one identified in this case have very strong previous evidence for pathogenicity (PMID: 38950288, VCGS cohort). Additional information: This variant is heterozygous; This gene is associated with autosomal dominant disease; Alternative truncating variants are present in gnomAD (highest allele count: v4: 171 heterozygote(s), 0 homozygote(s)); This variant has no previous evidence of pathogenicity; No published evidence of segregation with disease has been identified for this variant; No published functional evidence has been identified for this variant; Variant is predicted to truncate all of the annotated DUF4585 domain (DECIPHER). - Loss of function is likely the mechanism of disease in this gene and is associated with cardiomyopathy, dilated, 1QQ (MIM#621251) (PMID: 38950288).

Literature cited by the submitters: PubMed 38950288.

NM_001135196.2(C10orf71):c.619C>T (p.Gln207Ter)

Gene: C10orf71 (chromosome 10 open reading frame 71; plus strand). Cytogenetic location: 10q11.23.
Variant type: single nucleotide variant.
Coding change: c.619C>T on transcript NM_001135196.2 (MANE Select); coding-DNA position 619, C replaced by T.
Protein change: p.Gln207Ter; replaces glutamine 207 with a stop codon.
Molecular consequence: nonsense.
Genome position (GRCh38, 1-based): chr10:49,323,164, C>T. VCF-style: chr10-49323164-C-T. GRCh37 (hg19) VCF-style: chr10-50531209-C-T.
Other names: short protein forms Q207*.
Identifiers: ClinVar variation 4879606 (VCV004879606.1).